The following is an entry in ClinVar:

ClinVar aggregate classification (germline): Uncertain significance. Review status: criteria provided, multiple submitters, no conflicts (2 of 4 stars). 2 submissions from 2 submitters: Uncertain significance (2). Last evaluated 2025-10-22.

Conditions:
Inborn genetic diseases. Identifiers: MedGen C0950123, MeSH D030342.
Spastic paraplegia. Identifiers: MedGen C0037772, HP:0001258.

Allele frequency attached by ClinVar (database versions not stated): ExAC 0.00001.

Submissions (2):

Ambry Genetics
Classification: Uncertain significance for Inborn genetic diseases. Last evaluated: 2025-10-22. Review status: criteria provided, single submitter. Criteria: Ambry Variant Classification Scheme 2023. Collection method: clinical testing. Allele origin: germline.

Labcorp Genetics (formerly Invitae), Labcorp
Classification: Uncertain significance for Spastic paraplegia. Last evaluated: 2022-03-13. Review status: criteria provided, single submitter. Criteria: Invitae Variant Classification Sherloc (09022015). Collection method: clinical testing. Allele origin: germline.
Comment: In summary, the available evidence is currently insufficient to determine the role of this variant in disease. Therefore, it has been classified as a Variant of Uncertain Significance. Advanced modeling of protein sequence and biophysical properties (such as structural, functional, and spatial information, amino acid conservation, physicochemical variation, residue mobility, and thermodynamic stability) performed at Invitae indicates that this missense variant is not expected to disrupt CYP2U1 protein function. This variant has not been reported in the literature in individuals affected with CYP2U1-related conditions. This variant is present in population databases (rs760088061, gnomAD 0.0009%). This sequence change replaces glutamic acid, which is acidic and polar, with lysine, which is basic and polar, at codon 326 of the CYP2U1 protein (p.Glu326Lys).

NM_183075.3(CYP2U1):c.976G>A (p.Glu326Lys)

Gene: CYP2U1 (cytochrome P450 family 2 subfamily U member 1; plus strand). Cytogenetic location: 4q25.
Variant type: single nucleotide variant.
Coding change: c.976G>A on transcript NM_183075.3 (MANE Select); coding-DNA position 976, G replaced by A.
Protein change: p.Glu326Lys; replaces glutamic acid 326 with lysine.
Molecular consequence: missense variant.
Genome position (GRCh38, 1-based): chr4:107,945,455, G>A. VCF-style: chr4-107945455-G-A. GRCh37 (hg19) VCF-style: chr4-108866611-G-A.
Other names: c.976G>A (NM_183075.2); short protein forms E326K.
Identifiers: ClinVar variation 2192260 (VCV002192260.5), dbSNP rs760088061, ClinGen allele CA3037086.